The following is an entry in ClinVar:

ClinVar aggregate classification (germline): Likely benign. Review status: criteria provided, multiple submitters, no conflicts (2 of 4 stars). 2 submissions from 2 submitters: Likely benign (2). Last evaluated 2019-07-11.

Conditions:
Inborn genetic diseases. Identifiers: MedGen C0950123, MeSH D030342.

Allele frequency attached by ClinVar (database versions not stated): gnomAD exomes 0.00001.
gnomAD v4.1: 3 of 1,605,754 alleles (0.00019%); highest among the groups gnomAD compares: African/African-American, 0.004%; no homozygotes.

Submissions (2):

Ambry Genetics
Classification: Likely benign for Inborn genetic diseases. Last evaluated: 2019-07-11. Review status: criteria provided, single submitter. Criteria: Ambry Variant Classification Scheme 2023. Collection method: clinical testing. Allele origin: germline.

GeneDx
Classification: Likely benign. Last evaluated: 2017-09-18. Review status: criteria provided, single submitter. Criteria: GeneDx Variant Classification (06012015). Collection method: clinical testing. Allele origin: germline. Affected: yes.
Comment: This variant is considered likely benign or benign based on one or more of the following criteria: it is a conservative change, it occurs at a poorly conserved position in the protein, it is predicted to be benign by multiple in silico algorithms, and/or has population frequency not consistent with disease.

NM_001005361.3(DNM2):c.1665T>C (p.Asp555=)

Gene: DNM2 (dynamin 2; plus strand). Cytogenetic location: 19p13.2.
Variant type: single nucleotide variant.
Coding change: c.1665T>C on transcript NM_001005361.3 (MANE Select); coding-DNA position 1665, T replaced by C.
Protein change: p.Asp555=; no amino-acid change (aspartic acid 555 retained).
Molecular consequence: synonymous variant.
Genome position (GRCh38, 1-based): chr19:10,812,371, T>C. VCF-style: chr19-10812371-T-C. GRCh37 (hg19) VCF-style: chr19-10923047-T-C.
Other names: c.1665T>C, p.Asp555= (NM_001005360.3, NM_001190716.2); c.1653T>C, p.Asp551= (NM_001005362.3, NM_004945.4).
Identifiers: ClinVar variation 512168 (VCV000512168.3), dbSNP rs1555713814, ClinGen allele CA505490657.